The following is an entry in ClinVar:

NM_006269.2(RP1):c.3688_3689insCCT (p.Gln1230delinsProTer)

Gene: RP1 (RP1 axonemal microtubule associated; plus strand). Cytogenetic location: 8q12.1.
Variant type: Insertion.
Coding change: c.3688_3689insCCT on transcript NM_006269.2 (MANE Select); coding-DNA positions 3688 to 3689, CCT inserted.
Protein change: p.Gln1230delinsProTer.
Molecular consequence: nonsense. On other transcripts: intron variant (1).
Genome position: GRCh38 VCF-style: chr8-54627570-C-CCCT. GRCh37 (hg19) VCF-style: chr8-55540130-C-CCCT.
Other names: c.787+5282_787+5283insCCT (NM_001375654.1).
Identifiers: ClinVar variation 3382559 (VCV003382559.2).

ClinVar aggregate classification (germline): Likely pathogenic (1 of 4 stars; one submission).

Conditions:
Retinitis pigmentosa 1 (RP1). Identifiers: Orphanet 791, MedGen C0220701, MONDO:0008377, OMIM 180100.

Submission:

Juno Genomics, Hangzhou Juno Genomics, Inc
Classification: Likely pathogenic for Retinitis pigmentosa 1. Review status: criteria provided, single submitter. Criteria: ACMG Guidelines, 2015. Collection method: clinical testing. Allele origin: germline. Affected: yes.
Comment: Null variant in a gene where loss of function (LOF) is a known mechanism of disease.;Absent from controls (or at extremely low frequency if recessive) in Genome Aggregation Database, Exome Sequencing Project, 1000 Genomes Project, or Exome Aggregation Consortium.;For recessive disorders, detected in trans with a pathogenic variant.